The following is an entry in ClinVar:

ClinVar aggregate classification (germline): Uncertain significance (1 of 4 stars; one submission).

Submission:

Labcorp Genetics (formerly Invitae), Labcorp
Classification: Uncertain significance. Last evaluated: 2023-12-11. Review status: criteria provided, single submitter. Criteria: Invitae Variant Classification Sherloc (09022015). Collection method: clinical testing. Allele origin: germline.
Comment: This sequence change replaces alanine, which is neutral and non-polar, with threonine, which is neutral and polar, at codon 169 of the P4HB protein (p.Ala169Thr). This variant is not present in population databases (gnomAD no frequency). This variant has not been reported in the literature in individuals affected with P4HB-related conditions. Advanced modeling of protein sequence and biophysical properties (such as structural, functional, and spatial information, amino acid conservation, physicochemical variation, residue mobility, and thermodynamic stability) performed at Invitae indicates that this missense variant is not expected to disrupt P4HB protein function with a negative predictive value of 80%. In summary, the available evidence is currently insufficient to determine the role of this variant in disease. Therefore, it has been classified as a Variant of Uncertain Significance.

NM_000918.4(P4HB):c.505G>A (p.Ala169Thr)

Gene: P4HB (prolyl 4-hydroxylase subunit beta; minus strand). Cytogenetic location: 17q25.3.
Variant type: single nucleotide variant.
Coding change: c.505G>A on transcript NM_000918.4 (MANE Select); coding-DNA position 505, G replaced by A.
Protein change: p.Ala169Thr; replaces alanine 169 with threonine.
Molecular consequence: missense variant.
Genome position (GRCh38, 1-based): chr17:81,855,261, C>T on the plus strand (G>A on the coding strand, the complement: P4HB is on the minus strand). VCF-style: chr17-81855261-C-T. GRCh37 (hg19) VCF-style: chr17-79813137-C-T.
Other names: short protein forms A169T.
Identifiers: ClinVar variation 2851462 (VCV002851462.3), dbSNP rs2509958085, ClinGen allele CA401515370.